The following is an entry in ClinVar:

ClinVar aggregate classification (germline): Likely benign (0 of 4 stars; one submission).

Conditions:
MOBP-related disorder. Also called: MOBP-related condition.

Submission:

PreventionGenetics, part of Exact Sciences
Classification: Likely benign for MOBP-related condition. Last evaluated: 2023-07-19. Review status: no assertion criteria provided. Collection method: clinical testing. Allele origin: germline.
Comment: This variant is classified as likely benign based on ACMG/AMP sequence variant interpretation guidelines (Richards et al. 2015 PMID: 25741868, with internal and published modifications).

NM_001393704.1(MOBP):c.294GTCCCCTCCGAGGTCTGAGCGTCAGCCACG[3] (p.99SPPRSERQPR[3])

Gene: MOBP (myelin associated oligodendrocyte basic protein; plus strand). Cytogenetic location: 3p22.1.
Variant type: Microsatellite.
Coding change: c.294GTCCCCTCCGAGGTCTGAGCGTCAGCCACG[3] on transcript NM_001393704.1 (MANE Select); three copies in a row of the 30-base unit GTCCCCTCCGAGGTCTGAGCGTCAGCCACG starting at c.294; the reference has four copies in a row; one copy, 30 bases deleted.
Protein change: p.99SPPRSERQPR[3].
Molecular consequence: inframe indel (on NM_006501.1). On other transcripts: non-coding transcript variant (2), intron variant (1).
Genome position (GRCh38, 1-based): chr3:39,502,712-39,502,741, GTCCCCTCCGAGGTCTGAGCGTCAGCCACG deleted; deleting any 30 consecutive bases within chr3:39,502,615-39,502,741 gives the same sequence; the position shown is the placement nearest the transcript's 3' end. VCF-style (leftmost placement, unchanged base first): chr3-39502614-AAGCCACGGTCCCCTCCGAGGTCTGAGCGTC-A. GRCh37 (hg19) VCF-style: chr3-39544105-AAGCCACGGTCCCCTCCGAGGTCTGAGCGTC-A.
Other names: c.366GTCCCCTCCGAGGTCTGAGCGTCAGCCACG[3], p.123SPPRSERQPR[3] (NM_001278322.2); c.294GTCCCCTCCGAGGTCTGAGCGTCAGCCACG[3], p.99SPPRSERQPR[3] (NM_001278323.2); c.294_323GTCCCCTCCGAGGTCTGAGCGTCAGCCACG[3], p.Ser129_Arg138del (NM_006501.1, NM_182934.1); c.206+340AGCCACGGTCCCCTCCGAGGTCTGAGCGTC[3] (NM_182935.4).
Identifiers: ClinVar variation 3052120 (VCV003052120.2), dbSNP rs1559424420, ClinGen allele CA542619078.
Genomic context (GRCh38, chr3:39,502,614, plus strand): 5'-TCCCCTCAGAGGCCCAAGCAACAGCCAGCTGCGCCCCCCGCGGTGGTCAGAGCGCCAGCC[AAGCCACGGTCCCCTCCGAGGTCTGAGCGTC>A]AGCCACGGTCCCCTCCGAGGTCTGAGCGTCAGCCACGGTCCCCTCCGAGGTCTGAGCGTC-3'